The following is an entry in ClinVar:

NM_001330260.2(SCN8A):c.2994G>C (p.Gln998His)

Gene: SCN8A (sodium voltage-gated channel alpha subunit 8; plus strand). Cytogenetic location: 12q13.13.
Variant type: single nucleotide variant.
Coding change: c.2994G>C on transcript NM_001330260.2 (MANE Select); coding-DNA position 2994, G replaced by C.
Protein change: p.Gln998His; replaces glutamine 998 with histidine.
Molecular consequence: missense variant.
Genome position (GRCh38, 1-based): chr12:51,768,957, G>C. VCF-style: chr12-51768957-G-C. GRCh37 (hg19) VCF-style: chr12-52162741-G-C.
Other names: c.2994G>C, p.Gln998His (NM_001177984.3, NM_001369788.1, NM_014191.4); short protein forms Q998H.
Identifiers: ClinVar variation 4801279 (VCV004801279.1).
Genomic context (GRCh38, chr12:51,768,957, plus strand): 5'-CTCCTTCAGTGCAGACAACCTGGCTGCCACAGATGACGATGGGGAAATGAACAACCTCCA[G>C]ATCTCAGTGATCCGTATCAAGAAGGGTGTGGCCTGGACCAAACTAAAGGTGCACGCCTTC-3'
Protein context (NP_001317189.1, residues 988-1008): TDDDGEMNNL[Gln998His]ISVIRIKKGV

ClinVar aggregate classification (germline): Uncertain significance (1 of 4 stars; one submission).

Conditions:
Early-infantile DEE. Also called: Early infantile epileptic encephalopathy with suppression bursts; Early infantile epileptic encephalopathy; Ohtahara syndrome. Identifiers: Orphanet 1934, MedGen C0393706, MONDO:0800491.

Submission:

Labcorp Genetics (formerly Invitae), Labcorp
Classification: Uncertain significance for Early-infantile DEE. Last evaluated: 2026-01-12. Review status: criteria provided, single submitter. Criteria: Invitae Variant Classification Sherloc (09022015). Collection method: clinical testing. Allele origin: germline.
Comment: This sequence change replaces glutamine, which is neutral and polar, with histidine, which is basic and polar, at codon 998 of the SCN8A protein (p.Gln998His). This variant is not present in population databases (gnomAD no frequency). This variant has not been reported in the literature in individuals affected with SCN8A-related conditions. Invitae Evidence Modeling of protein sequence and biophysical properties (such as structural, functional, and spatial information, amino acid conservation, physicochemical variation, residue mobility, and thermodynamic stability) has been performed for this missense variant. However, the output from this modeling did not meet the statistical confidence thresholds required to predict the impact of this variant on SCN8A protein function. In summary, the available evidence is currently insufficient to determine the role of this variant in disease. Therefore, it has been classified as a Variant of Uncertain Significance.